The following is an entry in ClinVar:

NC_000016.9:g.(?_2137518)_(2138586_?)del

Gene: TSC2 (TSC complex subunit 2; plus strand). Cytogenetic location: 16p13.3.
Variant type: Deletion.
Identifiers: ClinVar variation 2423308 (VCV002423308.4).

ClinVar aggregate classification (germline): Pathogenic (1 of 4 stars; one submission).

Conditions:
Tuberous sclerosis 2 (TSC2). Identifiers: Orphanet 805, MedGen C1860707, MONDO:0013199, OMIM 613254.

Submission:

Labcorp Genetics (formerly Invitae), Labcorp
Classification: Pathogenic for Tuberous sclerosis 2. Last evaluated: 2022-03-11. Review status: criteria provided, single submitter. Criteria: Invitae Variant Classification Sherloc (09022015). Collection method: clinical testing. Allele origin: germline.
Comment: For these reasons, this variant has been classified as Pathogenic. This variant disrupts a region of the TSC2 protein in which other variant(s) (p.Arg1743Trp) have been determined to be pathogenic (PMID: 16114042, 16981987, 18854862, 21309039, 23955302, 29500070, 29801666). This suggests that this is a clinically significant region of the protein, and that variants that disrupt it are likely to be disease-causing. Variants that disrupt the consensus splice site are a relatively common cause of aberrant splicing (PMID: 17576681, 9536098). This variant has not been reported in the literature in individuals affected with TSC2-related conditions. This variant results in the deletion of exons 39-41 and part of exon 42 (c.4990-344_5401del) of the TSC2 gene. While this variant is not anticipated to result in nonsense mediated decay, it likely alters RNA splicing and results in a disrupted protein product.

Literature cited by the submitters: PubMed 16114042; PubMed 16981987; PubMed 18854862; PubMed 21309039; PubMed 23955302; PubMed 29500070; PubMed 29801666; PubMed 17576681; PubMed 9536098.